The following is an entry in ClinVar:

ClinVar aggregate classification (germline): Uncertain significance. Review status: criteria provided, multiple submitters, no conflicts (2 of 4 stars). 3 submissions from 3 submitters: Uncertain significance (2). 1 of the submissions does not count toward it. Last evaluated 2024-12-02.

Conditions:
EP300-related disorder. Also called: EP300-related condition; EP300-related disorders.
Rubinstein-Taybi syndrome due to EP300 haploinsufficiency. Also called: EP300-Related Rubinstein-Taybi Syndrome; RUBINSTEIN-TAYBI SYNDROME 2. Identifiers: Orphanet 353284, Orphanet 783, MedGen C3150941, MONDO:0013364, OMIM 613684.

Allele frequency attached by ClinVar (database versions not stated): TOPMed below 0.00001; gnomAD 0.00001.
gnomAD v4.1: 2 of 1,613,912 alleles (0.00012%); highest among the groups gnomAD compares: Admixed American, 0.0017%; no homozygotes.

Submissions (3):

GeneDx
Classification: Uncertain significance. Last evaluated: 2024-12-02. Review status: criteria provided, single submitter. Criteria: GeneDx Variant Classification Process June 2021. Collection method: clinical testing. Allele origin: germline. Affected: yes.
Comment: In silico analysis supports that this missense variant has a deleterious effect on protein structure/function; Has not been previously published as pathogenic or benign to our knowledge

Labcorp Genetics (formerly Invitae), Labcorp
Classification: Uncertain significance for Rubinstein-Taybi syndrome due to EP300 haploinsufficiency. Last evaluated: 2024-10-24. Review status: criteria provided, single submitter. Criteria: Invitae Variant Classification Sherloc (09022015). Collection method: clinical testing. Allele origin: germline.
Comment: This sequence change replaces proline, which is neutral and non-polar, with serine, which is neutral and polar, at codon 300 of the EP300 protein (p.Pro300Ser). The frequency data for this variant in the population databases is considered unreliable, as metrics indicate poor data quality at this position in the gnomAD database. This variant has not been reported in the literature in individuals affected with EP300-related conditions. Invitae Evidence Modeling of protein sequence and biophysical properties (such as structural, functional, and spatial information, amino acid conservation, physicochemical variation, residue mobility, and thermodynamic stability) indicates that this missense variant is not expected to disrupt EP300 protein function with a negative predictive value of 80%. In summary, the available evidence is currently insufficient to determine the role of this variant in disease. Therefore, it has been classified as a Variant of Uncertain Significance.

PreventionGenetics, part of Exact Sciences
Classification: Uncertain significance for EP300-related condition. Last evaluated: 2024-05-03. Review status: no assertion criteria provided. Collection method: clinical testing. Allele origin: germline. Not counted in ClinVar's aggregate classification.
Comment: The EP300 c.898C>T variant is predicted to result in the amino acid substitution p.Pro300Ser. To our knowledge, this variant has not been reported in the literature. This variant is reported in 0.011% of alleles in individuals of African descent in gnomAD. At this time, the clinical significance of this variant is uncertain due to the absence of conclusive functional and genetic evidence.

NM_001429.4(EP300):c.898C>T (p.Pro300Ser)

Gene: EP300 (EP300 lysine acetyltransferase; plus strand). Cytogenetic location: 22q13.2.
Variant type: single nucleotide variant.
Coding change: c.898C>T on transcript NM_001429.4 (MANE Select); coding-DNA position 898, C replaced by T.
Protein change: p.Pro300Ser; replaces proline 300 with serine.
Molecular consequence: missense variant.
Genome position (GRCh38, 1-based): chr22:41,126,032, C>T. VCF-style: chr22-41126032-C-T. GRCh37 (hg19) VCF-style: chr22-41522036-C-T.
Other names: c.898C>T (NM_001429.3); c.898C>T, p.Pro300Ser (NM_001362843.2); short protein forms P300S.
Identifiers: ClinVar variation 3021297 (VCV003021297.5), dbSNP rs1414372233, ClinGen allele CA411683492.